The following is an entry in ClinVar:

ClinVar aggregate classification (germline): Pathogenic/Likely pathogenic. Review status: criteria provided, multiple submitters, no conflicts (2 of 4 stars). 4 submissions from 4 submitters: Pathogenic (1); Likely pathogenic (2). 1 of the submissions does not count toward it. Last evaluated 2025-09-23.

Conditions:
Familial long QT syndrome (RWS). Also called: Congenital long QT syndrome; Romano-Ward syndrome; VENTRICULAR FIBRILLATION WITH PROLONGED QT INTERVAL. Identifiers: Orphanet 768, MedGen C1141890, MONDO:0019171.
Long QT syndrome (LQTS). Identifiers: MedGen C0023976, MeSH D008133, MONDO:0002442. Disease mechanism: loss of function. Inheritance: Various modes of inheritance.

Submissions (4):

Labcorp Genetics (formerly Invitae), Labcorp
Classification: Pathogenic for Long QT syndrome. Last evaluated: 2025-09-23. Review status: criteria provided, single submitter. Criteria: Invitae Variant Classification Sherloc (09022015). Collection method: clinical testing. Allele origin: germline.
Comment: This sequence change replaces aspartic acid, which is acidic and polar, with tyrosine, which is neutral and polar, at codon 242 of the KCNQ1 protein (p.Asp242Tyr). This variant is not present in population databases (gnomAD no frequency). This missense change has been observed in individuals with long QT syndrome (LQTS) (PMID: 19490272). ClinVar contains an entry for this variant (Variation ID: 67099). Invitae Evidence Modeling of protein sequence and biophysical properties (such as structural, functional, and spatial information, amino acid conservation, physicochemical variation, residue mobility, and thermodynamic stability) indicates that this missense variant is expected to disrupt KCNQ1 protein function with a positive predictive value of 95%. This variant disrupts the p.Asp242 amino acid residue in KCNQ1. Other variant(s) that disrupt this residue have been determined to be pathogenic (PMID: 9799083, 19490272, 25705178). This suggests that this residue is clinically significant, and that variants that disrupt this residue are likely to be disease-causing. For these reasons, this variant has been classified as Pathogenic.

Women's Health and Genetics/Laboratory Corporation of America, LabCorp
Classification: Likely pathogenic for Long QT syndrome. Last evaluated: 2023-10-31. Review status: criteria provided, single submitter. Criteria: LabCorp Variant Classification Summary - May 2015. Collection method: clinical testing. Allele origin: germline.
Comment: Variant summary: KCNQ1 c.724G>T (p.Asp242Tyr) results in a non-conservative amino acid change located in the ion transport domain (IPR005821) of the encoded protein sequence. Five of five in-silico tools predict a damaging effect of the variant on protein function. The variant was absent in 249004 control chromosomes (gnomAD). c.724G>T has been reported in the literature in at least two individuals affected with Long QT Syndrome, one of whom appears to have been subsequently cited in other publications (e.g. Jons_2009, Barsheshet_2012, Mullally_2013, Lieve_2013), and in at least one individual who suffered a largevessel ischemic stroke (Janicki_2019). These data indicate that the variant may be associated with disease. To our knowledge, no experimental evidence demonstrating an impact on protein function has been reported. However, other variants affecting the same amino acid (i.e. D242N, D242E, D242A) have been reported in association with Long QT Syndrome in the HGMD database and/or classified as likely pathogenic/pathogenic in ClinVar, suggesting that p.Asp242 is important for KCNQ1 function. The following publications have been ascertained in the context of this evaluation (PMID: 22456477, 30816480, 19490272, 23631430, 23174487). Two submitters have cited clinical-significance assessments for this variant to ClinVar after 2014. Both submitters classified the variant as likely pathogenic. Based on the evidence outlined above, the variant was classified as likely pathogenic.

GeneDx
Classification: Likely pathogenic. Last evaluated: 2021-06-15. Review status: criteria provided, single submitter. Criteria: GeneDx Variant Classification Process June 2021. Collection method: clinical testing. Allele origin: germline. Affected: yes.
Comment: Reported in association with Long QT syndrome (LQTS) (Jons et al., 2009; Barsheshet et al., 2012; Mullally et al., 2013); Not observed in large population cohorts (Lek et al., 2016); In silico analysis supports that this missense variant has a deleterious effect on protein structure/function; Reported in ClinVar as likely pathogenic (ClinVar Variant ID# 67099; Landrum et al., 2016); This variant is associated with the following publications: (PMID: 23174487, 9799083, 25705178, 25525159, 22456477, 19490272, 26370830, 27535533)

Cardiovascular Biomedical Research Unit, Royal Brompton & Harefield NHS Foundation Trust
No classification provided. Condition: Familial long QT syndrome. Review status: no classification provided. Collection method: literature only. Allele origin: germline. Not counted in ClinVar's aggregate classification.
Comment: This variant has been reported as associated with Long QT syndrome in the following publications (PMID:19490272). This is a literature report, and does not necessarily reflect the clinical interpretation of the Imperial College / Royal Brompton Cardiovascular Genetics laboratory.

Literature cited by the submitters: PubMed 19490272 (cited by 3 submitters); PubMed 9799083 (cited by Labcorp Genetics (formerly Invitae), Labcorp); PubMed 25705178 (cited by Labcorp Genetics (formerly Invitae), Labcorp); PubMed 23631430 (cited by Women's Health and Genetics/Laboratory Corporation of America, LabCorp); PubMed 22456477 (cited by Women's Health and Genetics/Laboratory Corporation of America, LabCorp); PubMed 23174487 (cited by Women's Health and Genetics/Laboratory Corporation of America, LabCorp); PubMed 30816480 (cited by Women's Health and Genetics/Laboratory Corporation of America, LabCorp); PubMed 22581653 (cited by Cardiovascular Biomedical Research Unit, Royal Brompton & Harefield NHS Foundation Trust).

NM_000218.3(KCNQ1):c.724G>T (p.Asp242Tyr)

Gene: KCNQ1 (potassium voltage-gated channel subfamily Q member 1; plus strand). Cytogenetic location: 11p15.5.
Variant type: single nucleotide variant.
Coding change: c.724G>T on transcript NM_000218.3 (MANE Select); coding-DNA position 724, G replaced by T.
Protein change: p.Asp242Tyr; replaces aspartic acid 242 with tyrosine.
Molecular consequence: missense variant.
Genome position (GRCh38, 1-based): chr11:2,572,053, G>T. VCF-style: chr11-2572053-G-T. GRCh37 (hg19) VCF-style: chr11-2593283-G-T.
Other names: p.D242Y:GAC>TAC; c.724G>T (LRG_287t1); c.724G>T, p.Asp242Tyr (NM_001406836.1); c.454G>T, p.Asp152Tyr (NM_001406837.1); c.343G>T, p.Asp115Tyr (NM_181798.2); short protein forms D242Y, D115Y, D152Y.
Identifiers: ClinVar variation 67099 (VCV000067099.12), dbSNP rs199472712, ClinGen allele CA007996.
Genomic context (GRCh38, chr11:2,572,053, plus strand): 5'-CCACACCATCTCCTTCGCAGGGGCATCCGCTTCCTGCAGATCCTGAGGATGCTACACGTC[G>T]ACCGCCAGGGAGGCACCTGGAGGCTCCTGGGCTCCGTGGTCTTCATCCACCGCCAGGTGG-3'
Protein context (NP_000209.2, residues 232-252): FLQILRMLHV[Asp242Tyr]RQGGTWRLLG